The following is an entry in ClinVar:

ClinVar aggregate classification (germline): Uncertain significance (1 of 4 stars; one submission).

Submission:

Labcorp Genetics (formerly Invitae), Labcorp
Classification: Uncertain significance. Last evaluated: 2024-12-02. Review status: criteria provided, single submitter. Criteria: Invitae Variant Classification Sherloc (09022015). Collection method: clinical testing. Allele origin: germline.
Comment: This sequence change creates a premature translational stop signal (p.Ser581Leufs*2) in the PLAA gene. It is expected to result in an absent or disrupted protein product. However, the current clinical and genetic evidence is not sufficient to establish whether loss-of-function variants in PLAA cause disease. This variant is not present in population databases (gnomAD no frequency). This variant has not been reported in the literature in individuals affected with PLAA-related conditions. ClinVar contains an entry for this variant (Variation ID: 2001061). In summary, the available evidence is currently insufficient to determine the role of this variant in disease. Therefore, it has been classified as a Variant of Uncertain Significance.

NM_001031689.3(PLAA):c.1741del (p.Ser581fs)

Gene: PLAA (phospholipase A2 activating protein; minus strand). Cytogenetic location: 9p21.2.
Variant type: Deletion.
Coding change: c.1741del on transcript NM_001031689.3 (MANE Select); coding-DNA position 1741, one base deleted (T; older notation c.1741delT).
Protein change: p.Ser581fs; shifts the reading frame from serine 581.
Molecular consequence: frameshift variant.
Genome position (GRCh38, 1-based): chr9:26,907,915, A deleted on the plus strand (T on the coding strand, the reverse complement: PLAA is on the minus strand). VCF-style (leftmost placement, unchanged base first): chr9-26907914-GA-G. GRCh37 (hg19) VCF-style: chr9-26907912-GA-G.
Other names: c.1672del, p.Ser558fs (NM_001321546.2); short protein forms S581fs, S558fs.
Identifiers: ClinVar variation 2001061 (VCV002001061.4), dbSNP rs2489161514, ClinGen allele CA2580080303.